The following is an entry in ClinVar:

ClinVar aggregate classification (germline): Uncertain significance (1 of 4 stars; one submission).

gnomAD v4.1: 28 of 1,614,016 alleles (0.0017%); highest among the groups gnomAD compares: Middle Eastern, 0.016%; no homozygotes.

Submission:

Labcorp Genetics (formerly Invitae), Labcorp
Classification: Uncertain significance. Last evaluated: 2024-10-29. Review status: criteria provided, single submitter. Criteria: Invitae Variant Classification Sherloc (09022015). Collection method: clinical testing. Allele origin: germline.
Comment: This sequence change replaces arginine, which is basic and polar, with glutamine, which is neutral and polar, at codon 147 of the DNAJC17 protein (p.Arg147Gln). This variant is present in population databases (rs768378470, gnomAD 0.03%). This variant has not been reported in the literature in individuals affected with DNAJC17-related conditions. An algorithm developed to predict the effect of missense changes on protein structure and function outputs the following: PolyPhen-2: "Benign". The glutamine amino acid residue is found in multiple mammalian species, which suggests that this missense change does not adversely affect protein function. In summary, the available evidence is currently insufficient to determine the role of this variant in disease. Therefore, it has been classified as a Variant of Uncertain Significance.

NM_018163.3(DNAJC17):c.440G>A (p.Arg147Gln)

Gene: DNAJC17 (DnaJ heat shock protein family (Hsp40) member C17; minus strand). Cytogenetic location: 15q15.1.
Variant type: single nucleotide variant.
Coding change: c.440G>A on transcript NM_018163.3 (MANE Select); coding-DNA position 440, G replaced by A.
Protein change: p.Arg147Gln; replaces arginine 147 with glutamine.
Molecular consequence: missense variant.
Genome position (GRCh38, 1-based): chr15:40,776,234, C>T on the plus strand (G>A on the coding strand, the complement: DNAJC17 is on the minus strand). VCF-style: chr15-40776234-C-T. GRCh37 (hg19) VCF-style: chr15-41068432-C-T.
Other names: short protein forms R147Q.
Identifiers: ClinVar variation 3717102 (VCV003717102.2).
Genomic context (GRCh38, chr15:40,776,234, plus strand): 5'-AGGCGGGGTGATAGACCTGCACCTCTCAACCTCTGGTCACGCTCCTGGCGTATCTGCTCC[C>T]GGATGAGCCTCTGCTGTTCCTCCAGCTGCCGGGAACCCTCTTCTCTCAGGCGTTCGATCT-3'
Protein context (NP_060633.1, residues 137-157): RQLEEQQRLI[Arg147Gln]EQIRQERDQR